The following is an entry in ClinVar:

NM_006019.4(TCIRG1):c.1189C>T (p.Pro397Ser)

Gene: TCIRG1 (T cell immune regulator 1, ATPase H+ transporting V0 subunit a3; plus strand). Cytogenetic location: 11q13.2.
Variant type: single nucleotide variant.
Coding change: c.1189C>T on transcript NM_006019.4 (MANE Select); coding-DNA position 1189, C replaced by T.
Protein change: p.Pro397Ser; replaces proline 397 with serine.
Molecular consequence: missense variant.
Genome position (GRCh38, 1-based): chr11:68,047,456, C>T. VCF-style: chr11-68047456-C-T. GRCh37 (hg19) VCF-style: chr11-67814923-C-T.
Other names: c.295C>T, p.Pro99Ser (NM_001351059.2); c.541C>T, p.Pro181Ser (NM_006053.4); short protein forms P99S, P181S, P397S.
Identifiers: ClinVar variation 1441334 (VCV001441334.7), dbSNP rs537603997, ClinGen allele CA6147020.

ClinVar aggregate classification (germline): Uncertain significance (1 of 4 stars; one submission).

Allele frequency attached by ClinVar (database versions not stated): ExAC 0.00002; 1000 Genomes Project 30x 0.00016; gnomAD 0.00004; gnomAD exomes 0.00001; TOPMed 0.00003; 1000 Genomes Project 0.00020.
gnomAD v4.1: 18 of 1,614,102 alleles (0.0011%); highest among the groups gnomAD compares: African/African-American, 0.011%; no homozygotes.

Submission:

Labcorp Genetics (formerly Invitae), Labcorp
Classification: Uncertain significance. Last evaluated: 2024-06-05. Review status: criteria provided, single submitter. Criteria: Invitae Variant Classification Sherloc (09022015). Collection method: clinical testing. Allele origin: germline.
Comment: This sequence change replaces proline, which is neutral and non-polar, with serine, which is neutral and polar, at codon 397 of the TCIRG1 protein (p.Pro397Ser). This variant is present in population databases (rs537603997, gnomAD 0.02%). This variant has not been reported in the literature in individuals affected with TCIRG1-related conditions. ClinVar contains an entry for this variant (Variation ID: 1441334). Advanced modeling of protein sequence and biophysical properties (such as structural, functional, and spatial information, amino acid conservation, physicochemical variation, residue mobility, and thermodynamic stability) performed at Invitae indicates that this missense variant is expected to disrupt TCIRG1 protein function with a positive predictive value of 80%. In summary, the available evidence is currently insufficient to determine the role of this variant in disease. Therefore, it has been classified as a Variant of Uncertain Significance.